The following is an entry in ClinVar:

ClinVar aggregate classification (germline): Pathogenic/Likely pathogenic. Review status: criteria provided, multiple submitters, no conflicts (2 of 4 stars). 3 submissions from 3 submitters: Pathogenic (2); Likely pathogenic (1). Last evaluated 2024-08-21.

Conditions:
Alport syndrome. Also called: Hemorrhagic familial nephritis; Hemorrhagic hereditary nephritis; Congenital hereditary hematuria. Identifiers: Orphanet 63, MedGen C1567741, MONDO:0018965.
Autosomal recessive Alport syndrome (ATS2). Also called: COL4A3-Related Nephropathy; ALPORT SYNDROME 2, AUTOSOMAL RECESSIVE; Alport syndrome type 2; COL4A4 Alport Syndrome and Thin Basement Membrane Nephropathy. Identifiers: Orphanet 63, Orphanet 88919, MedGen C4746745, MONDO:0008762, OMIM 203780.

Submissions (3):

Natera, Inc.
Classification: Likely pathogenic for Alport syndrome. Last evaluated: 2024-08-21. Review status: criteria provided, single submitter. Criteria: Natera Variant Classification Schema (03/2026). Collection method: clinical testing. Allele origin: germline.
Comment: The c.559-2A>C variant in COL4A4 is a canonical splice acceptor site variant predicted to affect pre-mRNA splicing, which may result in an abnormal transcript and altered protein product. This variant is expected to result in nonsense mediated decay, truncation, or a dysfunctional protein product. This variant is rare in the general population with a frequency below the threshold expected for the associated phenotype(s). This variant has been observed in one or more individuals affected with the associated recessive disease, as either homozygous or compound heterozygous with a second variant (PMID: 33532864). Given the available evidence, this variant is classified as Likely Pathogenic.

Labcorp Genetics (formerly Invitae), Labcorp
Classification: Pathogenic. Last evaluated: 2024-07-14. Review status: criteria provided, single submitter. Criteria: Invitae Variant Classification Sherloc (09022015). Collection method: clinical testing. Allele origin: germline.
Comment: This sequence change affects an acceptor splice site in intron 8 of the COL4A4 gene. It is expected to disrupt RNA splicing. Variants that disrupt the donor or acceptor splice site typically lead to a loss of protein function (PMID: 16199547), and loss-of-function variants in COL4A4 are known to be pathogenic (PMID: 21196518, 24854265, 25307543). This variant is not present in population databases (gnomAD no frequency). Disruption of this splice site has been observed in individual(s) with Alport syndrome (PMID: 33532864). In at least one individual the data is consistent with being in trans (on the opposite chromosome) from a pathogenic variant. ClinVar contains an entry for this variant (Variation ID: 974383). Algorithms developed to predict the effect of sequence changes on RNA splicing suggest that this variant may disrupt the consensus splice site. For these reasons, this variant has been classified as Pathogenic.

Molecular Biology Laboratory, Fundació Puigvert
Classification: Pathogenic for Autosomal recessive Alport syndrome. Last evaluated: 2020-02-01. Review status: criteria provided, single submitter. Criteria: ACMG Guidelines, 2015. Collection method: research. Allele origin: maternal. Affected: yes. Study: KidneyPanel_2020.

Literature cited by the submitters: PubMed 33532864 (cited by 3 submitters); PubMed 16199547 (cited by Labcorp Genetics (formerly Invitae), Labcorp); PubMed 21196518 (cited by Labcorp Genetics (formerly Invitae), Labcorp); PubMed 24854265 (cited by Labcorp Genetics (formerly Invitae), Labcorp); PubMed 25307543 (cited by Labcorp Genetics (formerly Invitae), Labcorp).

NM_000092.5(COL4A4):c.559-2A>C

Gene: COL4A4 (collagen type IV alpha 4 chain; minus strand). Cytogenetic location: 2q36.3.
Variant type: single nucleotide variant.
Coding change: c.559-2A>C on transcript NM_000092.5 (MANE Select); the canonical splice acceptor site of the intron before coding-DNA position 559, A replaced by C.
Molecular consequence: splice acceptor variant.
Genome position (GRCh38, 1-based): chr2:227,111,715, T>G on the plus strand (A>C on the coding strand, the complement: COL4A4 is on the minus strand). VCF-style: chr2-227111715-T-G. GRCh37 (hg19) VCF-style: chr2-227976431-T-G.
Other names: c.559-2A>C (NM_000092.4).
Identifiers: ClinVar variation 974383 (VCV000974383.4), dbSNP rs766243664, ClinGen allele CA350860385.